The following is an entry in ClinVar:

NM_001844.5(COL2A1):c.4075-1G>A

Gene: COL2A1 (collagen type II alpha 1 chain; minus strand). Cytogenetic location: 12q13.11.
Variant type: single nucleotide variant.
Coding change: c.4075-1G>A on transcript NM_001844.5 (MANE Select); the canonical splice acceptor site of the intron before coding-DNA position 4075, G replaced by A.
Molecular consequence: splice acceptor variant.
Genome position (GRCh38, 1-based): chr12:47,974,332, C>T on the plus strand (G>A on the coding strand, the complement: COL2A1 is on the minus strand). VCF-style: chr12-47974332-C-T. GRCh37 (hg19) VCF-style: chr12-48368115-C-T.
Other names: c.3868-1G>A (NM_033150.3).
Identifiers: ClinVar variation 4999873 (VCV004999873.1).

ClinVar aggregate classification (germline): Likely pathogenic (1 of 4 stars; one submission).

Conditions:
COL2A1-related disorder. Also called: COL2A1-related condition; COL2A1-related disorders.

Submission:

PreventionGenetics, part of Exact Sciences
Classification: Likely pathogenic for COL2A1-related condition. Last evaluated: 2025-07-24. Review status: criteria provided, single submitter. Criteria: ACMG Guidelines, 2015. Collection method: clinical testing. Allele origin: germline.
Comment: The COL2A1 c.4075-1G>A variant is predicted to disrupt the AG splice acceptor site and interfere with normal splicing. To our knowledge, this variant has not been reported in the literature or in a large population database (gnomAD), indicating this variant is rare. Variants that disrupt the consensus splice acceptor site in COL2A1 are expected to be pathogenic. This variant is interpreted as likely pathogenic.